The following is an entry in ClinVar:

ClinVar aggregate classification (germline): Uncertain significance (1 of 4 stars; one submission).

Conditions:
Cystic fibrosis (CF). Also called: MUCOVISCIDOSIS. Identifiers: Orphanet 586, MedGen C0010674, MONDO:0009061, OMIM 219700. Disease mechanism: loss of function.

Submission:

Labcorp Genetics (formerly Invitae), Labcorp
Classification: Uncertain significance for Cystic fibrosis. Last evaluated: 2022-08-13. Review status: criteria provided, single submitter. Criteria: Invitae Variant Classification Sherloc (09022015). Collection method: clinical testing. Allele origin: germline.
Comment: In summary, the available evidence is currently insufficient to determine the role of this variant in disease. Therefore, it has been classified as a Variant of Uncertain Significance. Algorithms developed to predict the effect of missense changes on protein structure and function are either unavailable or do not agree on the potential impact of this missense change (SIFT: "Deleterious"; PolyPhen-2: "Possibly Damaging"; Align-GVGD: "Class C0"). This variant has not been reported in the literature in individuals affected with CFTR-related conditions. This variant is not present in population databases (gnomAD no frequency). This sequence change replaces threonine, which is neutral and polar, with asparagine, which is neutral and polar, at codon 339 of the CFTR protein (p.Thr339Asn).

NM_000492.4(CFTR):c.1016C>A (p.Thr339Asn)

Gene: CFTR (CF transmembrane conductance regulator; plus strand). Cytogenetic location: 7q31.2.
Variant type: single nucleotide variant.
Coding change: c.1016C>A on transcript NM_000492.4 (MANE Select); coding-DNA position 1016, C replaced by A.
Protein change: p.Thr339Asn; replaces threonine 339 with asparagine.
Molecular consequence: missense variant.
Genome position (GRCh38, 1-based): chr7:117,540,246, C>A. VCF-style: chr7-117540246-C-A. GRCh37 (hg19) VCF-style: chr7-117180300-C-A.
Other names: short protein forms T339N.
Identifiers: ClinVar variation 1716414 (VCV001716414.5), dbSNP rs2485026871, ClinGen allele CA368978788.